The following is an entry in ClinVar:

NM_003072.5(SMARCA4):c.277A>T (p.Met93Leu)

Gene: SMARCA4 (SWI/SNF related BAF chromatin remodeling complex subunit ATPase 4; plus strand). Cytogenetic location: 19p13.2.
Variant type: single nucleotide variant.
Coding change: c.277A>T on transcript NM_003072.5 (MANE Select); coding-DNA position 277, A replaced by T.
Protein change: p.Met93Leu; replaces methionine 93 with leucine.
Molecular consequence: missense variant. On other transcripts: non-coding transcript variant (1).
Genome position (GRCh38, 1-based): chr19:10,985,327, A>T. VCF-style: chr19-10985327-A-T. GRCh37 (hg19) VCF-style: chr19-11096003-A-T.
Other names: c.277A>T, p.Met93Leu (NM_001128844.3, NM_001128845.2, NM_001128846.2 and 4 more transcripts); short protein forms M93L.
Identifiers: ClinVar variation 855248 (VCV000855248.9), dbSNP rs777647740, ClinGen allele CA404055196.

ClinVar aggregate classification (germline): Uncertain significance (1 of 4 stars; one submission).

Conditions:
Rhabdoid tumor predisposition syndrome 2 (RTPS2). Identifiers: Orphanet 231108, Orphanet 69077, MedGen C2750074, MONDO:0013224, OMIM 613325.

Submission:

Labcorp Genetics (formerly Invitae), Labcorp
Classification: Uncertain significance for Rhabdoid tumor predisposition syndrome 2. Last evaluated: 2021-07-09. Review status: criteria provided, single submitter. Criteria: Invitae Variant Classification Sherloc (09022015). Collection method: clinical testing. Allele origin: germline.
Comment: In summary, the available evidence is currently insufficient to determine the role of this variant in disease. Therefore, it has been classified as a Variant of Uncertain Significance. Algorithms developed to predict the effect of missense changes on protein structure and function (SIFT, PolyPhen-2, Align-GVGD) all suggest that this variant is likely to be tolerated, but these predictions have not been confirmed by published functional studies and their clinical significance is uncertain. This variant has not been reported in the literature in individuals with SMARCA4-related conditions. This variant is not present in population databases (ExAC no frequency). This sequence change replaces methionine with leucine at codon 93 of the SMARCA4 protein (p.Met93Leu). The methionine residue is highly conserved and there is a small physicochemical difference between methionine and leucine.